The following is an entry in ClinVar:

ClinVar aggregate classification (germline): Uncertain significance (1 of 4 stars; one submission).

Conditions:
Progressive familial heart block type IB (PFHB1B). Identifiers: Orphanet 871, MedGen C1970298, MONDO:0011474, OMIM 604559.

gnomAD v4.1: 3 of 1,611,692 alleles (0.00019%); highest among the groups gnomAD compares: Middle Eastern, 0.017%; no homozygotes.

Submission:

Labcorp Genetics (formerly Invitae), Labcorp
Classification: Uncertain significance for Progressive familial heart block type IB. Last evaluated: 2023-11-27. Review status: criteria provided, single submitter. Criteria: Invitae Variant Classification Sherloc (09022015). Collection method: clinical testing. Allele origin: germline.
Comment: This sequence change replaces alanine, which is neutral and non-polar, with valine, which is neutral and non-polar, at codon 384 of the TRPM4 protein (p.Ala384Val). This variant is present in population databases (rs777499678, gnomAD 0.0009%). This variant has not been reported in the literature in individuals affected with TRPM4-related conditions. An algorithm developed to predict the effect of missense changes on protein structure and function (PolyPhen-2) suggests that this variant is likely to be tolerated. In summary, the available evidence is currently insufficient to determine the role of this variant in disease. Therefore, it has been classified as a Variant of Uncertain Significance.

NM_017636.4(TRPM4):c.1151C>T (p.Ala384Val)

Gene: TRPM4 (transient receptor potential cation channel subfamily M member 4; plus strand). Cytogenetic location: 19q13.33.
Variant type: single nucleotide variant.
Coding change: c.1151C>T on transcript NM_017636.4 (MANE Select); coding-DNA position 1151, C replaced by T.
Protein change: p.Ala384Val; replaces alanine 384 with valine.
Molecular consequence: missense variant. On other transcripts: 5 prime UTR variant (1), intron variant (1).
Genome position (GRCh38, 1-based): chr19:49,181,349, C>T. VCF-style: chr19-49181349-C-T. GRCh37 (hg19) VCF-style: chr19-49684606-C-T.
Other names: c.1151C>T, p.Ala384Val (NM_001195227.2); c.806C>T, p.Ala269Val (NM_001321281.2); c.-403C>T (NM_001321282.2); c.629C>T, p.Ala210Val (NM_001321283.2); c.202-1229C>T (NM_001321285.2); short protein forms A210V, A269V, A384V.
Identifiers: ClinVar variation 2889731 (VCV002889731.3), dbSNP rs777499678, ClinGen allele CA9569108.
Genomic context (GRCh38, chr19:49,181,349, plus strand): 5'-CATTCAGCAGATGTCCCTCCTCCCCTGACTTCTTGTCCCCTCTCCCTCTAATCCTTCCAG[C>T]CTGTGGGAGCTCGGAGGCCTCAGCCTACCTGGATGAGCTGCGTTTGGCTGTGGCTTGGAA-3'
Protein context (NP_060106.2, residues 374-394): ETIVLKALVK[Ala384Val]CGSSEASAYL